The following is an entry in ClinVar:

NM_003458.4(BSN):c.4051C>T (p.Gln1351Ter)

Gene: BSN (bassoon presynaptic cytomatrix protein; plus strand). Cytogenetic location: 3p21.31.
Variant type: single nucleotide variant.
Coding change: c.4051C>T on transcript NM_003458.4 (MANE Select); coding-DNA position 4051, C replaced by T.
Protein change: p.Gln1351Ter; replaces glutamine 1351 with a stop codon.
Molecular consequence: nonsense.
Genome position (GRCh38, 1-based): chr3:49,653,607, C>T. VCF-style: chr3-49653607-C-T. GRCh37 (hg19) VCF-style: chr3-49691040-C-T.
Other names: short protein forms Q1351*.
Identifiers: ClinVar variation 4856101 (VCV004856101.1).

ClinVar aggregate classification (germline): Uncertain significance (1 of 4 stars; one submission).

Conditions:
BSN-related disorder. Also called: BSN-related condition.

Submission:

3billion
Classification: Uncertain significance for BSN-related disorder. Last evaluated: 2025-06-01. Review status: criteria provided, single submitter. Criteria: ACMG Guidelines, 2015. Collection method: clinical testing. Allele origin: germline. Affected: yes.
Comment: The variant is not observed in the gnomAD v4.1.0 dataset. Predicted Consequence/Location: Stop-gained (nonsense) Therefore, this variant is classified as VUS according to the recommendation of ACMG/AMP guideline.